The following is an entry in ClinVar:

ClinVar aggregate classification (germline): Likely benign (1 of 4 stars; one submission).

Allele frequency attached by ClinVar (database versions not stated): 1000 Genomes Project 30x 0.00016; 1000 Genomes Project 0.00020.

Submission:

GeneDx
Classification: Likely benign. Last evaluated: 2017-09-19. Review status: criteria provided, single submitter. Criteria: GeneDx Variant Classification (06012015). Collection method: clinical testing. Allele origin: germline. Affected: yes.
Comment: This variant is considered likely benign or benign based on one or more of the following criteria: it is a conservative change, it occurs at a poorly conserved position in the protein, it is predicted to be benign by multiple in silico algorithms, and/or has population frequency not consistent with disease.

NM_012210.4(TRIM32):c.-94C>T

Genes: ASTN2 (astrotactin 2; minus strand), TRIM32 (tripartite motif containing 32; plus strand), LOC130002465 (ATAC-STARR-seq lymphoblastoid silent region 20221; plus strand). Cytogenetic location: 9q33.1.
Variant type: single nucleotide variant.
Coding change: c.-94C>T on transcript NM_012210.4 (MANE Select); 94 bases upstream of the start codon, C replaced by T.
Molecular consequence: 5 prime UTR variant. On other transcripts: intron variant (3).
Genome position (GRCh38, 1-based): chr9:116,687,369, C>T. VCF-style: chr9-116687369-C-T. GRCh37 (hg19) VCF-style: chr9-119449648-C-T.
Other names: c.-91C>T (NM_001099679.2); c.-155C>T (NM_001379048.1); c.2654-35576G>A (NM_014010.5); c.2795-35576G>A (NM_001365069.1); c.2807-35576G>A (NM_001365068.1).
Identifiers: ClinVar variation 511757 (VCV000511757.1), dbSNP rs558918995, ClinGen allele CA198762147.
Genomic context (GRCh38, chr9:116,687,369, plus strand): 5'-AACGGCGCGTGCGCAGAGGGAGGCAGGCGGGTGGGCTGCCGGCGGTGGACTCGTCGGAGC[C>T]GCGGGCGGTCAGGTAGGGGGCGGGAAGGAGGGTTGGGGACTGGGGACCGCGGCCGGAGTC-3'